The following is an entry in ClinVar:

ClinVar aggregate classification (germline): Benign. Review status: reviewed by expert panel (3 of 4 stars). 11 submissions from 10 submitters: Benign (1). 10 of the submissions do not count toward it. Last evaluated 2024-01-23.

Conditions:
Recombinase activating gene 1 deficiency. Identifiers: MedGen CN375631, MONDO:0000572.
Combined immunodeficiency with skin granulomas. Identifiers: Orphanet 157949, MedGen C2673536, MONDO:0009306, OMIM 233650.
Severe combined immunodeficiency, autosomal recessive, T cell-negative, B cell-negative, NK cell-positive. Also called: SCID, T CELL-NEGATIVE, B CELL-NEGATIVE, NK CELL-POSITIVE; SCID, AR, T-cell negative, B-cell negative, NK cell-positive; Severe combined immunodeficiency due to complete RAG1/2 deficiency. Identifiers: Orphanet 331206, MedGen C1832322, MONDO:0011086, OMIM 601457.
Histiocytic medullary reticulosis. Also called: SEVERE COMBINED IMMUNODEFICIENCY WITH HYPEREOSINOPHILIA; Omenn syndrome. Identifiers: Orphanet 39041, MedGen C2700553, MONDO:0011338, OMIM 603554.

Allele frequency attached by ClinVar (database versions not stated): 1000 Genomes Project 0.00319; 1000 Genomes Project 30x 0.00375; gnomAD exomes 0.00975 and 0.01555; gnomAD 0.01002 and 0.01070; TOPMed 0.01003; ESP Exome Variant Server 0.01023; ExAC 0.01044.
gnomAD v4.1: 24,033 of 1,614,222 alleles (1.5%); highest among the groups gnomAD compares: Non-Finnish European, 1.8%; 207 homozygotes.

Submissions (11):

ClinGen Severe Combined Immunodeficiency Variant Curation Expert Panel, ClinGen
Classification: Benign for Recombinase activating gene 1 deficiency. Last evaluated: 2024-01-23. Review status: reviewed by expert panel. Criteria: ClinGen SCID ACMG Specifications RAG1 V1.0.0. Collection method: curation. Allele origin: germline. Inheritance: Autosomal recessive inheritance.
Comment: The NM_000448.3:c.1346G>A variant in RAG1 is a missense variant predicted to cause the substitution of Arginine by Lysine at amino acid 449 (p.Arg449Lys). The filtering allele frequency (the lower threshold of the 95% CI of 21803/1180030) of the c.1346G>A variant in RAG1 is 0.01837 for European (non-Finnish) chromosomes by gnomAD v.4, which is higher than the ClinGen SCID VCEP threshold (>0.00872) for BA1 and, therefore, meets this criterion (BA1). Additionally, 207 homozygous adults are reported on gnomAD v.4 (BS2_Supporting). In summary, this variant meets the criteria to be classified as Benign for autosomal recessive SCID. ACMG/AMP criteria applied, as specified by the ClinGen SCID-VCEP: BA1 and BS2_Supporting. (VCEP specifications version 1).

CeGaT Center for Human Genetics Tuebingen
Classification: Likely benign. Last evaluated: 2026-10-01. Review status: criteria provided, single submitter. Criteria: CeGaT Center For Human Genetics Tuebingen Variant Classification Criteria Version 2. Collection method: clinical testing. Allele origin: germline. Affected: yes. Observed: 24 variant alleles. Not counted in ClinVar's aggregate classification.
Comment: RAG1: PM5, BS1, BS2

Labcorp Genetics (formerly Invitae), Labcorp
Classification: Benign for Combined immunodeficiency with skin granulomas; Severe combined immunodeficiency, autosomal recessive, T cell-negative, B cell-negative, NK cell-positive. Last evaluated: 2026-02-02. Review status: criteria provided, single submitter. Criteria: Invitae Variant Classification Sherloc (09022015). Collection method: clinical testing. Allele origin: germline. Not counted in ClinVar's aggregate classification.

ARUP Laboratories, Molecular Genetics and Genomics, ARUP Laboratories
Classification: Benign. Last evaluated: 2024-12-19. Review status: criteria provided, single submitter. Criteria: ARUP Molecular Germline Variant Investigation Process 2024. Collection method: clinical testing. Allele origin: germline. Not counted in ClinVar's aggregate classification.

Blueprint Genetics
Classification: Likely benign. Last evaluated: 2024-11-19. Review status: criteria provided, single submitter. Criteria: ACMG Guidelines, 2015. Collection method: clinical testing. Allele origin: germline. Not counted in ClinVar's aggregate classification.

Women's Health and Genetics/Laboratory Corporation of America, LabCorp
Classification: Benign. Last evaluated: 2019-09-11. Review status: criteria provided, single submitter. Criteria: LabCorp Variant Classification Summary - May 2015. Collection method: clinical testing. Allele origin: germline. Not counted in ClinVar's aggregate classification.
Comment: Variant summary: RAG1 c.1346G>A (p.Arg449Lys) results in a conservative amino acid change located in the RAG nonamer-binding domain of the encoded protein sequence. Three of five in-silico tools predict a damaging effect of the variant on protein function. The variant allele was found at a frequency of 0.0098 in 250856 control chromosomes, predominantly at a frequency of 0.017 within the Non-Finnish European subpopulation in the gnomAD database, including 20 homozygotes. The observed variant frequency within Non-Finnish European control individuals in the gnomAD database is approximately 24-folds over the estimated maximal expected allele frequency for a pathogenic variant in RAG1 causing Severe Combined Immunodeficiency Syndrome/Omenn Syndrome phenotype (0.00071), strongly suggesting that the variant is a benign polymorphism found primarily in populations of Non-Finnish European origin. c.1346G>A has been reported in the literature in individuals affected with Severe Combined Immunodeficiency Syndrome/Omenn Syndrome (Haq_2007, Sobacchi_2006, Lee_2014, Kumanovics_2017). These reports do not provide unequivocal conclusions about association of the variant with Severe Combined Immunodeficiency Syndrome/Omenn Syndrome. Co-occurrences with RAG1 pathogenic variants in cis have been reported (R404Q and R410Q), providing supporting evidence for a benign role. Functional study, Lee_2014, found the variant to have comparable levels to wild type for recombination activity. A ClinVar submission (evaluation after 2014) cites the variant as benign. Based on the evidence outlined above, the variant was classified as benign.

Mayo Clinic Laboratories, Mayo Clinic
Classification: Benign. Last evaluated: 2018-06-21. Review status: criteria provided, single submitter. Criteria: ACMG Guidelines, 2015. Collection method: clinical testing. Allele origin: germline. Observed: 6 variant alleles. Not counted in ClinVar's aggregate classification.

Illumina Laboratory Services, Illumina
Classification: Uncertain significance for Histiocytic medullary reticulosis. Last evaluated: 2017-04-27. Review status: criteria provided, single submitter. Criteria: ICSL Variant Classification Criteria 13 December 2019. Collection method: clinical testing. Allele origin: germline. Not counted in ClinVar's aggregate classification.
Comment: This variant was observed as part of a predisposition screen in an ostensibly healthy population. A literature search was performed for the gene, cDNA change, and amino acid change (where applicable). Publications were found based on this search. However, the evidence from the literature, in combination with allele frequency data from public databases where available, was not sufficient to rule this variant in or out of causing disease. Therefore, this variant is classified as a variant of unknown significance.

Illumina Laboratory Services, Illumina
Classification: Likely benign for Severe combined immunodeficiency, autosomal recessive, T cell-negative, B cell-negative, NK cell-positive. Last evaluated: 2017-04-27. Review status: criteria provided, single submitter. Criteria: ICSL Variant Classification Criteria 13 December 2019. Collection method: clinical testing. Allele origin: germline. Not counted in ClinVar's aggregate classification.
Comment: This variant was observed as part of a predisposition screen in an ostensibly healthy population. A literature search was performed for the gene, cDNA change, and amino acid change (where applicable). No publications were found based on this search. Allele frequency data from public databases allowed determination this variant is unlikely to cause disease. Therefore, this variant is classified as likely benign.

GeneDx
Classification: Benign. Last evaluated: 2015-03-03. Review status: criteria provided, single submitter. Criteria: GeneDx Variant Classification Process June 2021. Collection method: clinical testing. Allele origin: germline. Affected: yes. Not counted in ClinVar's aggregate classification.
Comment: This variant is associated with the following publications: (PMID: 24290284, 21228398, 16960852, 27609655, 33046446)

PreventionGenetics, part of Exact Sciences
Classification: Benign. Review status: criteria provided, single submitter. Criteria: ACMG Guidelines, 2015. Collection method: clinical testing. Allele origin: germline. Not counted in ClinVar's aggregate classification.

Literature cited by the submitters: PubMed 17572155 (cited by Women's Health and Genetics/Laboratory Corporation of America, LabCorp and Illumina Laboratory Services, Illumina); PubMed 16960852 (cited by Women's Health and Genetics/Laboratory Corporation of America, LabCorp and Illumina Laboratory Services, Illumina); PubMed 27609655 (cited by Women's Health and Genetics/Laboratory Corporation of America, LabCorp); PubMed 24290284 (cited by Women's Health and Genetics/Laboratory Corporation of America, LabCorp).

NM_000448.3(RAG1):c.1346G>A (p.Arg449Lys)

Gene: RAG1 (recombination activating 1; plus strand). Cytogenetic location: 11p12.
Variant type: single nucleotide variant.
Coding change: c.1346G>A on transcript NM_000448.3 (MANE Select); coding-DNA position 1346, G replaced by A.
Protein change: p.Arg449Lys; replaces arginine 449 with lysine.
Molecular consequence: missense variant.
Genome position (GRCh38, 1-based): chr11:36,574,650, G>A. VCF-style: chr11-36574650-G-A. GRCh37 (hg19) VCF-style: chr11-36596200-G-A.
Other names: NM_000448.3(RAG1):c.1346G>A; c.1346G>A, p.Arg449Lys (NM_001377277.1, NM_001377278.1, NM_001377279.1 and 1 more transcripts); short protein forms R449K.
Identifiers: ClinVar variation 256188 (VCV000256188.57), dbSNP rs4151031, ClinGen allele CA5950130.